The following is an entry in ClinVar:

NM_018896.5(CACNA1G):c.3704G>C (p.Arg1235Pro)

Gene: CACNA1G (calcium voltage-gated channel subunit alpha1 G; plus strand). Cytogenetic location: 17q21.33.
Variant type: single nucleotide variant.
Coding change: c.3704G>C on transcript NM_018896.5 (MANE Select); coding-DNA position 3704, G replaced by C.
Protein change: p.Arg1235Pro; replaces arginine 1235 with proline.
Molecular consequence: missense variant. On other transcripts: non-coding transcript variant (5).
Genome position (GRCh38, 1-based): chr17:50,600,739, G>C. VCF-style: chr17-50600739-G-C. GRCh37 (hg19) VCF-style: chr17-48678100-G-C.
Other names: c.3704G>C, p.Arg1235Pro (NM_001256324.2, NM_001256325.2, NM_001256326.2 and 16 more transcripts); c.3635G>C, p.Arg1212Pro (NM_001256332.2, NM_198376.3, NM_198379.3 and 5 more transcripts); short protein forms R1212P, R1235P.
Identifiers: ClinVar variation 3343111 (VCV003343111.1).
Genomic context (GRCh38, chr17:50,600,739, plus strand): 5'-GAACCTGGAGGCCTGGTCCTGCTCATACTCCAGTGTTTGTTCTGCAGAGCAAAGGGGAAC[G>C]GGTCCGCGCGTGGATCCGAGCCCGACTCCCTGCCTGCTGCCTCGAGCGAGACTCCTGGTC-3'
Protein context (NP_061496.2, residues 1225-1245): DDEGNLSKGE[Arg1235Pro]VRAWIRARLP

ClinVar aggregate classification (germline): Uncertain significance (1 of 4 stars; one submission).

gnomAD v4.1: 11 of 1,613,662 alleles (0.00068%); highest among the groups gnomAD compares: Non-Finnish European, 0.00093%; no homozygotes.

Submission:

GeneDx
Classification: Uncertain significance. Last evaluated: 2023-04-13. Review status: criteria provided, single submitter. Criteria: GeneDx Variant Classification Process June 2021. Collection method: clinical testing. Allele origin: germline. Affected: yes.
Comment: Not observed at significant frequency in large population cohorts (gnomAD); In silico analysis supports that this missense variant has a deleterious effect on protein structure/function; Has not been previously published as pathogenic or benign to our knowledge